The following is an entry in ClinVar:

NM_020706.2(SCAF4):c.3426del (p.Ala1143fs)

Gene: SCAF4 (SR-related CTD associated factor 4; minus strand). Cytogenetic location: 21q22.11.
Variant type: Deletion.
Coding change: c.3426del on transcript NM_020706.2 (MANE Select); coding-DNA position 3426, one base deleted (A; older notation c.3426delA).
Protein change: p.Ala1143fs; shifts the reading frame from alanine 1143.
Molecular consequence: frameshift variant.
Genome position (GRCh38, 1-based): chr21:31,671,417, T deleted on the plus strand (A on the coding strand, the reverse complement: SCAF4 is on the minus strand). VCF-style (leftmost placement, unchanged base first): chr21-31671416-CT-C. GRCh37 (hg19) VCF-style: chr21-33043729-CT-C.
Other names: c.3381del, p.Ala1128fs (NM_001145444.1); c.3360del, p.Ala1121fs (NM_001145445.1); c.3426delA (NM_020706.2); short protein forms A1121fs, A1128fs, A1143fs.
Identifiers: ClinVar variation 2637218 (VCV002637218.1), dbSNP rs2516669323, ClinGen allele CA2577473257.

ClinVar aggregate classification (germline): Uncertain significance (1 of 4 stars; one submission).

Conditions:
SCAF4-related disorder. Also called: SCAF4-related condition.

Submission:

PreventionGenetics, part of Exact Sciences
Classification: Uncertain significance for SCAF4-related condition. Last evaluated: 2022-09-13. Review status: criteria provided, single submitter. Criteria: ACMG Guidelines, 2015. Collection method: clinical testing. Allele origin: germline.
Comment: The SCAF4 c.3426delA variant is predicted to result in a frameshift and premature protein termination (p.Ala1143Glnfs*11). To our knowledge, this variant has not been reported in the literature or in a large population database, indicating this variant is rare. At this time, the clinical significance of this variant is uncertain due to the absence of conclusive functional and genetic evidence.